The following is an entry in ClinVar:

ClinVar aggregate classification (germline): Uncertain significance (1 of 4 stars; one submission).

Conditions:
Inborn genetic diseases. Identifiers: MedGen C0950123, MeSH D030342.

Submission:

Ambry Genetics
Classification: Uncertain significance for Inborn genetic diseases. Last evaluated: 2025-11-29. Review status: criteria provided, single submitter. Criteria: Ambry Variant Classification Scheme 2023. Collection method: clinical testing. Allele origin: germline.
Comment: The p.M1005T variant (also known as c.3014T>C), located in coding exon 13 of the MECOM gene, results from a T to C substitution at nucleotide position 3014. The methionine at codon 1005 is replaced by threonine, an amino acid with similar properties. This amino acid position is conserved. In addition, this alteration is predicted to be tolerated by in silico analysis. Based on the available evidence, the clinical significance of this variant remains unclear.

NM_004991.4(MECOM):c.3014T>C (p.Met1005Thr)

Gene: MECOM (MDS1 and EVI1 complex locus; minus strand). Cytogenetic location: 3q26.2.
Variant type: single nucleotide variant.
Coding change: c.3014T>C on transcript NM_004991.4 (MANE Select); coding-DNA position 3014, T replaced by C.
Protein change: p.Met1005Thr; replaces methionine 1005 with threonine.
Molecular consequence: missense variant.
Genome position (GRCh38, 1-based): chr3:169,095,081, A>G on the plus strand (T>C on the coding strand, the complement: MECOM is on the minus strand). VCF-style: chr3-169095081-A-G. GRCh37 (hg19) VCF-style: chr3-168812869-A-G.
Other names: c.2645T>C, p.Met882Thr (NM_001105077.4); c.2450T>C, p.Met817Thr (NM_001105078.4, NM_001205194.2, NM_001366469.2 and 1 more transcripts); c.2426T>C, p.Met809Thr (NM_001163999.2, NM_001366470.2); c.2423T>C, p.Met808Thr (NM_001164000.2, NM_001366471.2, NM_001366472.2); c.2987T>C, p.Met996Thr (NM_001366466.2); c.2453T>C, p.Met818Thr (NM_001366467.2, NM_001366468.2); c.2015T>C, p.Met672Thr (NM_001366473.2); c.1451T>C, p.Met484Thr (NM_001366474.2); short protein forms M1005T, M672T, M484T, M808T, M809T, M996T, M882T, M817T.
Identifiers: ClinVar variation 4624725 (VCV004624725.1).